The following is an entry in ClinVar:

NM_182493.3(MYLK3):c.175C>T (p.His59Tyr)

Gene: MYLK3 (myosin light chain kinase 3; minus strand). Cytogenetic location: 16q11.2.
Variant type: single nucleotide variant.
Coding change: c.175C>T on transcript NM_182493.3 (MANE Select); coding-DNA position 175, C replaced by T.
Protein change: p.His59Tyr; replaces histidine 59 with tyrosine.
Molecular consequence: missense variant. On other transcripts: intron variant (1).
Genome position (GRCh38, 1-based): chr16:46,748,019, G>A on the plus strand (C>T on the coding strand, the complement: MYLK3 is on the minus strand). VCF-style: chr16-46748019-G-A. GRCh37 (hg19) VCF-style: chr16-46781931-G-A.
Other names: c.-113-7872C>T (NM_001308301.1); short protein forms H59Y.
Identifiers: ClinVar variation 2985015 (VCV002985015.3), dbSNP rs2548911540, ClinGen allele CA395798688.

ClinVar aggregate classification (germline): Uncertain significance (1 of 4 stars; one submission).

Submission:

Labcorp Genetics (formerly Invitae), Labcorp
Classification: Uncertain significance. Last evaluated: 2023-04-01. Review status: criteria provided, single submitter. Criteria: Invitae Variant Classification Sherloc (09022015). Collection method: clinical testing. Allele origin: germline.
Comment: In summary, the available evidence is currently insufficient to determine the role of this variant in disease. Therefore, it has been classified as a Variant of Uncertain Significance. An algorithm developed to predict the effect of missense changes on protein structure and function (PolyPhen-2) suggests that this variant is likely to be tolerated. This sequence change replaces histidine, which is basic and polar, with tyrosine, which is neutral and polar, at codon 59 of the MYLK3 protein (p.His59Tyr). This variant is not present in population databases (gnomAD no frequency). This variant has not been reported in the literature in individuals affected with MYLK3-related conditions.